The following is an entry in ClinVar:

NM_144666.3(DNHD1):c.3661A>G (p.Ser1221Gly)

Gene: DNHD1 (dynein heavy chain domain 1; plus strand). Cytogenetic location: 11p15.4.
Variant type: single nucleotide variant.
Coding change: c.3661A>G on transcript NM_144666.3 (MANE Select); coding-DNA position 3661, A replaced by G.
Protein change: p.Ser1221Gly; replaces serine 1221 with glycine.
Molecular consequence: missense variant.
Genome position (GRCh38, 1-based): chr11:6,544,153, A>G. VCF-style: chr11-6544153-A-G. GRCh37 (hg19) VCF-style: chr11-6565383-A-G.
Other names: short protein forms S1221G.
Identifiers: ClinVar variation 3342575 (VCV003342575.2).

ClinVar aggregate classification (germline): Uncertain significance (1 of 4 stars; one submission).

gnomAD v4.1: 107 of 1,551,602 alleles (0.0069%); highest among the groups gnomAD compares: African/African-American, 0.14%; no homozygotes.

Submission:

GeneDx
Classification: Uncertain significance. Last evaluated: 2025-06-25. Review status: criteria provided, single submitter. Criteria: GeneDx Variant Classification Process June 2021. Collection method: clinical testing. Allele origin: germline.
Comment: In silico analysis supports that this missense variant has a deleterious effect on protein structure/function; Has not been previously published as pathogenic or benign to our knowledge